The following is an entry in ClinVar:

NM_001939.3(DRP2):c.1541-3C>A

Gene: DRP2 (dystrophin related protein 2; plus strand). Cytogenetic location: Xq22.1.
Variant type: single nucleotide variant.
Coding change: c.1541-3C>A on transcript NM_001939.3 (MANE Select); 3 bases into the intron before coding-DNA position 1541, C replaced by A.
Molecular consequence: intron variant.
Genome position (GRCh38, 1-based): chrX:101,250,420, C>A. VCF-style: chrX-101250420-C-A. GRCh37 (hg19) VCF-style: chrX-100505409-C-A.
Other names: c.1307-3C>A (NM_001171184.2).
Identifiers: ClinVar variation 2850856 (VCV002850856.3), dbSNP rs1342920917, ClinGen allele CA2739273633.

ClinVar aggregate classification (germline): Uncertain significance (1 of 4 stars; one submission).

Submission:

Labcorp Genetics (formerly Invitae), Labcorp
Classification: Uncertain significance. Last evaluated: 2023-04-01. Review status: criteria provided, single submitter. Criteria: Invitae Variant Classification Sherloc (09022015). Collection method: clinical testing. Allele origin: germline.
Comment: In summary, the available evidence is currently insufficient to determine the role of this variant in disease. Therefore, it has been classified as a Variant of Uncertain Significance. Variants that disrupt the consensus splice site are a relatively common cause of aberrant splicing (PMID: 17576681, 9536098). Algorithms developed to predict the effect of sequence changes on RNA splicing suggest that this variant may create or strengthen a splice site. This variant has not been reported in the literature in individuals affected with DRP2-related conditions. This variant is not present in population databases (gnomAD no frequency). This sequence change falls in intron 14 of the DRP2 gene. It does not directly change the encoded amino acid sequence of the DRP2 protein. It affects a nucleotide within the consensus splice site.

Literature cited by the submitters: PubMed 17576681; PubMed 9536098.